The following is an entry in ClinVar:

NM_152594.3(SPRED1):c.272del (p.His91fs)

Gene: SPRED1 (sprouty related EVH1 domain containing 1; plus strand). Cytogenetic location: 15q14.
Variant type: Deletion.
Coding change: c.272del on transcript NM_152594.3 (MANE Select); coding-DNA position 272, one base deleted (A; older notation c.272delA).
Protein change: p.His91fs; shifts the reading frame from histidine 91.
Molecular consequence: frameshift variant.
Genome position (GRCh38, 1-based): chr15:38,322,305, A deleted. VCF-style (leftmost placement, unchanged base first): chr15-38322304-CA-C. GRCh37 (hg19) VCF-style: chr15-38614505-CA-C.
Other names: short protein forms H91fs.
Identifiers: ClinVar variation 2031137 (VCV002031137.4), dbSNP rs2542695643, ClinGen allele CA2580089301.

ClinVar aggregate classification (germline): Pathogenic (1 of 4 stars; one submission).

Conditions:
Legius syndrome. Identifiers: Orphanet 137605, MedGen C1969623, MONDO:0012669, OMIM 611431. Disease mechanism: loss of function.

Submission:

Labcorp Genetics (formerly Invitae), Labcorp
Classification: Pathogenic for Legius syndrome. Last evaluated: 2022-09-18. Review status: criteria provided, single submitter. Criteria: Invitae Variant Classification Sherloc (09022015). Collection method: clinical testing. Allele origin: germline.
Comment: For these reasons, this variant has been classified as Pathogenic. This variant has not been reported in the literature in individuals affected with SPRED1-related conditions. This variant is not present in population databases (gnomAD no frequency). This sequence change creates a premature translational stop signal (p.His91Profs*30) in the SPRED1 gene. It is expected to result in an absent or disrupted protein product. Loss-of-function variants in SPRED1 are known to be pathogenic (PMID: 17704776).

Literature cited by the submitters: PubMed 17704776.